The following is an entry in ClinVar:

ClinVar aggregate classification (germline): Uncertain significance (1 of 4 stars; one submission).

gnomAD v4.1: 2 of 1,613,112 alleles (0.00012%); highest among the groups gnomAD compares: Non-Finnish European, 0.00017%; no homozygotes.

Submission:

Labcorp Genetics (formerly Invitae), Labcorp
Classification: Uncertain significance. Last evaluated: 2022-03-15. Review status: criteria provided, single submitter. Criteria: Invitae Variant Classification Sherloc (09022015). Collection method: clinical testing. Allele origin: germline.
Comment: This sequence change replaces histidine, which is basic and polar, with asparagine, which is neutral and polar, at codon 2940 of the CDH23 protein (p.His2940Asn). This variant is not present in population databases (gnomAD no frequency). This variant has not been reported in the literature in individuals affected with CDH23-related conditions. ClinVar contains an entry for this variant (Variation ID: 842825). Algorithms developed to predict the effect of missense changes on protein structure and function are either unavailable or do not agree on the potential impact of this missense change (SIFT: "Deleterious"; PolyPhen-2: "Not Available"; Align-GVGD: "Class C0"). In summary, the available evidence is currently insufficient to determine the role of this variant in disease. Therefore, it has been classified as a Variant of Uncertain Significance.

NM_022124.6(CDH23):c.8818C>A (p.His2940Asn)

Gene: CDH23 (cadherin related 23; plus strand). Cytogenetic location: 10q22.1.
Variant type: single nucleotide variant.
Coding change: c.8818C>A on transcript NM_022124.6 (MANE Select); coding-DNA position 8818, C replaced by A.
Protein change: p.His2940Asn; replaces histidine 2940 with asparagine.
Molecular consequence: missense variant.
Genome position (GRCh38, 1-based): chr10:71,809,915, C>A. VCF-style: chr10-71809915-C-A. GRCh37 (hg19) VCF-style: chr10-73569672-C-A.
Other names: c.2098C>A, p.His700Asn (NM_001171933.1, NM_001171934.1); short protein forms H2940N, H700N.
Identifiers: ClinVar variation 842825 (VCV000842825.3), dbSNP rs1473028766, ClinGen allele CA377133326.